The following is an entry in ClinVar:

ClinVar aggregate classification (germline): Uncertain significance (1 of 4 stars; one submission).

gnomAD v4.1: 1 of 1,614,250 alleles (0.000062%); highest among the groups gnomAD compares: Non-Finnish European, 0.000085%; no homozygotes.

Submission:

Ambry Genetics
Classification: Uncertain significance. Last evaluated: 2025-06-21. Review status: criteria provided, single submitter. Criteria: Ambry Variant Classification Scheme 2023. Collection method: clinical testing. Allele origin: germline.
Comment: The p.E1648D variant (also known as c.4944A>C), located in coding exon 43 of the KIF1B gene, results from an A to C substitution at nucleotide position 4944. The glutamic acid at codon 1648 is replaced by aspartic acid, an amino acid with highly similar properties. This amino acid position is conserved. In addition, this alteration is predicted to be tolerated by in silico analysis. Based on the available evidence, the clinical significance of this variant remains unclear.

NM_001365951.3(KIF1B):c.5082A>C (p.Glu1694Asp)

Gene: KIF1B (kinesin family member 1B; plus strand). Cytogenetic location: 1p36.22.
Variant type: single nucleotide variant.
Coding change: c.5082A>C on transcript NM_001365951.3 (MANE Select); coding-DNA position 5082, A replaced by C.
Protein change: p.Glu1694Asp; replaces glutamic acid 1694 with aspartic acid.
Molecular consequence: missense variant.
Genome position (GRCh38, 1-based): chr1:10,374,451, A>C. VCF-style: chr1-10374451-A-C. GRCh37 (hg19) VCF-style: chr1-10434509-A-C.
Other names: c.5082A>C, p.Glu1694Asp (NM_001365952.1); c.4944A>C, p.Glu1648Asp (NM_015074.3); short protein forms E1648D, E1694D.
Identifiers: ClinVar variation 4092326 (VCV004092326.1).